The following is an entry in ClinVar:

ClinVar aggregate classification (germline): Pathogenic (1 of 4 stars; one submission).

Submission:

Labcorp Genetics (formerly Invitae), Labcorp
Classification: Pathogenic. Last evaluated: 2020-04-28. Review status: criteria provided, single submitter. Criteria: Invitae Variant Classification Sherloc (09022015). Collection method: clinical testing. Allele origin: germline.
Comment: A gross deletion of the genomic region encompassing the full coding sequence of the SLC12A6 gene has been identified. The boundaries of this event are unknown as the deletion extends beyond the assayed region for this gene and therefore may encompass additional genes. This variant has been observed in individual(s) with peripheral neuropathy with agenesis of the corpus callosum (PMID: 26392352). Loss-of-function variants in SLC12A6 are known to be pathogenic (PMID: 12368912, 16606917). For these reasons, this variant has been classified as Pathogenic.

Literature cited by the submitters: PubMed 26392352; PubMed 12368912; PubMed 16606917.

NC_000015.9:g.(?_34526072)_(34631468_?)del

Gene: SLC12A6 (solute carrier family 12 member 6; minus strand). Cytogenetic location: 15q14.
Variant type: Deletion.
Identifiers: ClinVar variation 1073089 (VCV001073089.1).